The following is an entry in ClinVar:

ClinVar aggregate classification (germline): Uncertain significance. Review status: criteria provided, multiple submitters, no conflicts (2 of 4 stars). 2 submissions from 2 submitters: Uncertain significance (2). Last evaluated 2025-03-03.

Conditions:
Inborn genetic diseases. Identifiers: MedGen C0950123, MeSH D030342.
Early-onset Parkinson disease 20. Also called: PARKINSON DISEASE 20, AUTOSOMAL RECESSIVE EARLY-ONSET. Identifiers: Orphanet 391411, MedGen C3809824, MONDO:0014233, OMIM 615530.
Developmental and epileptic encephalopathy, 53. Also called: Epileptic encephalopathy, early infantile, 53. Identifiers: MedGen C4479313, MONDO:0033362, OMIM 617389.

Allele frequency attached by ClinVar (database versions not stated): gnomAD exomes below 0.00001; ExAC 0.00001.
gnomAD v4.1: 2 of 1,614,062 alleles (0.00012%); highest among the groups gnomAD compares: Admixed American, 0.0033%; no homozygotes.

Submissions (2):

Ambry Genetics
Classification: Uncertain significance for Inborn genetic diseases. Last evaluated: 2025-03-03. Review status: criteria provided, single submitter. Criteria: Ambry Variant Classification Scheme 2023. Collection method: clinical testing. Allele origin: germline.

Labcorp Genetics (formerly Invitae), Labcorp
Classification: Uncertain significance for Developmental and epileptic encephalopathy, 53; Early-onset Parkinson disease 20. Last evaluated: 2023-02-13. Review status: criteria provided, single submitter. Criteria: Invitae Variant Classification Sherloc (09022015). Collection method: clinical testing. Allele origin: germline.
Comment: In summary, the available evidence is currently insufficient to determine the role of this variant in disease. Therefore, it has been classified as a Variant of Uncertain Significance. Algorithms developed to predict the effect of missense changes on protein structure and function (SIFT, PolyPhen-2, Align-GVGD) all suggest that this variant is likely to be tolerated. This sequence change replaces alanine, which is neutral and non-polar, with valine, which is neutral and non-polar, at codon 1420 of the SYNJ1 protein (p.Ala1420Val). This variant is present in population databases (rs763286771, gnomAD 0.006%). This variant has not been reported in the literature in individuals affected with SYNJ1-related conditions.

NM_203446.3(SYNJ1):c.*230C>T

Gene: SYNJ1 (synaptojanin 1; minus strand). Cytogenetic location: 21q22.11.
Variant type: single nucleotide variant.
Coding change: c.*230C>T on transcript NM_203446.3 (MANE Select); 230 bases downstream of the stop codon, C replaced by T.
Molecular consequence: 3 prime UTR variant. On other transcripts: missense variant (2).
Genome position (GRCh38, 1-based): chr21:32,631,575, G>A on the plus strand (C>T on the coding strand, the complement: SYNJ1 is on the minus strand). VCF-style: chr21-32631575-G-A. GRCh37 (hg19) VCF-style: chr21-34003885-G-A.
Other names: c.*230C>T (NM_001160302.2); c.4001C>T, p.Ala1334Val (NM_001160306.2); c.4259C>T, p.Ala1420Val (NM_003895.4); c.4259C>T (NM_003895.3); short protein forms A1334V, A1420V.
Identifiers: ClinVar variation 2935344 (VCV002935344.3), dbSNP rs763286771, ClinGen allele CA10003153.